The following is an entry in ClinVar:

ClinVar aggregate classification (germline): Uncertain significance (1 of 4 stars; one submission).

Conditions:
Hereditary cancer-predisposing syndrome. Also called: Neoplastic Syndromes, Hereditary; Tumor predisposition; Hereditary neoplastic syndrome; Hereditary Cancer Syndrome. Identifiers: Orphanet 140162, MedGen C0027672, MeSH D009386, MONDO:0015356.

gnomAD v4.1: 1 of 1,611,100 alleles (0.000062%); highest among the groups gnomAD compares: Non-Finnish European, 0.000085%; no homozygotes.

Submission:

Ambry Genetics
Classification: Uncertain significance for Hereditary cancer-predisposing syndrome. Last evaluated: 2024-09-27. Review status: criteria provided, single submitter. Criteria: Ambry Variant Classification Scheme 2023. Collection method: clinical testing. Allele origin: germline.
Comment: The p.L228V variant (also known as c.682C>G), located in coding exon 5 of the STK11 gene, results from a C to G substitution at nucleotide position 682. The leucine at codon 228 is replaced by valine, an amino acid with highly similar properties. This amino acid position is highly conserved in available vertebrate species. In addition, this alteration is predicted to be tolerated by in silico analysis. Based on the available evidence, the clinical significance of this variant remains unclear.

NM_000455.5(STK11):c.682C>G (p.Leu228Val)

Gene: STK11 (serine/threonine kinase 11; plus strand). Cytogenetic location: 19p13.3.
Variant type: single nucleotide variant.
Coding change: c.682C>G on transcript NM_000455.5 (MANE Select); coding-DNA position 682, C replaced by G.
Protein change: p.Leu228Val; replaces leucine 228 with valine.
Molecular consequence: missense variant.
Genome position (GRCh38, 1-based): chr19:1,220,665, C>G. VCF-style: chr19-1220665-C-G. GRCh37 (hg19) VCF-style: chr19-1220664-C-G.
Other names: short protein forms L228V.
Identifiers: ClinVar variation 826650 (VCV000826650.5), dbSNP rs1599926930, ClinGen allele CA402949767.